The following is an entry in ClinVar:

NM_018366.3(BLOC1S4):c.566C>T (p.Ser189Leu)

Gene: BLOC1S4 (biogenesis of lysosomal organelles complex 1 subunit 4; plus strand). Cytogenetic location: 4p16.1.
Variant type: single nucleotide variant.
Coding change: c.566C>T on transcript NM_018366.3 (MANE Select); coding-DNA position 566, C replaced by T.
Protein change: p.Ser189Leu; replaces serine 189 with leucine.
Molecular consequence: missense variant.
Genome position (GRCh38, 1-based): chr4:6,716,775, C>T. VCF-style: chr4-6716775-C-T. GRCh37 (hg19) VCF-style: chr4-6718502-C-T.
Other names: short protein forms S189L.
Identifiers: ClinVar variation 3351196 (VCV003351196.1).
Genomic context (GRCh38, chr4:6,716,775, plus strand): 5'-CGTTCAAGAAGCTCCTGCACACGATGAACGTGCCCTCGCTCTTTAGCAAGTCTGCTCCCT[C>T]GAGGCCACAGCAAGCCGGCTACGAAGCCCCCGTCCTGTTTCGGACCGAAGACTACTTCCC-3'
Protein context (NP_060836.1, residues 179-199): VPSLFSKSAP[Ser189Leu]RPQQAGYEAP

ClinVar aggregate classification (germline): Likely benign (0 of 4 stars; one submission).

Conditions:
BLOC1S4-related condition.

gnomAD v4.1: 6,924 of 1,614,000 alleles (0.43%); highest among the groups gnomAD compares: Middle Eastern, 0.69%; 18 homozygotes.

Submission:

PreventionGenetics, part of Exact Sciences
Classification: Likely benign for BLOC1S4-related condition. Last evaluated: 2024-09-08. Review status: no assertion criteria provided. Collection method: clinical testing. Allele origin: germline.
Comment: This variant is classified as likely benign based on ACMG/AMP sequence variant interpretation guidelines (Richards et al. 2015 PMID: 25741868, with internal and published modifications).